The following is an entry in ClinVar:

NM_000135.4(FANCA):c.845C>A (p.Ala282Asp)

Gene: FANCA (FA complementation group A; minus strand). Cytogenetic location: 16q24.3.
Variant type: single nucleotide variant.
Coding change: c.845C>A on transcript NM_000135.4 (MANE Select); coding-DNA position 845, C replaced by A.
Protein change: p.Ala282Asp; replaces alanine 282 with aspartic acid.
Molecular consequence: missense variant.
Genome position (GRCh38, 1-based): chr16:89,799,214, G>T on the plus strand (C>A on the coding strand, the complement: FANCA is on the minus strand). VCF-style: chr16-89799214-G-T. GRCh37 (hg19) VCF-style: chr16-89865622-G-T.
Other names: c.845C>A, p.Ala282Asp (NM_001018112.3, NM_001286167.3); c.749C>A, p.Ala250Asp (NM_001351830.2); short protein forms A250D, A282D.
Identifiers: ClinVar variation 3848190 (VCV003848190.1).
Genomic context (GRCh38, chr16:89,799,214, plus strand): 5'-TCAGGAACATACCAGCACCTCACGATCTTGTGAGTGGAGGACTCCTCCTGTACTCCAGCA[G>T]CCAAAGCGTCAAGTGCAACTGAAGACAGAGCCAGGAACAGAAAACAGATGTCAGCACACG-3'
Protein context (NP_000126.2, residues 272-292): RMLIFALDAL[Ala282Asp]AGVQEESSTH

ClinVar aggregate classification (germline): Uncertain significance (1 of 4 stars; one submission).

Conditions:
Inborn genetic diseases. Identifiers: MedGen C0950123, MeSH D030342.

Submission:

Ambry Genetics
Classification: Uncertain significance for Inborn genetic diseases. Last evaluated: 2025-02-05. Review status: criteria provided, single submitter. Criteria: Ambry Variant Classification Scheme 2023. Collection method: clinical testing. Allele origin: germline.
Comment: The p.A282D variant (also known as c.845C>A), located in coding exon 10 of the FANCA gene, results from a C to A substitution at nucleotide position 845. The alanine at codon 282 is replaced by aspartic acid, an amino acid with dissimilar properties. This amino acid position is conserved. In addition, this alteration is predicted to be tolerated by in silico analysis. Based on the available evidence, the clinical significance of this variant remains unclear.